The following is an entry in ClinVar:

ClinVar aggregate classification (germline): Uncertain significance (1 of 4 stars; one submission).

Conditions:
SON-related disorder. Also called: SON-related condition.

Allele frequency attached by ClinVar (database versions not stated): gnomAD exomes below 0.00001.
gnomAD v4.1: 2 of 1,613,892 alleles (0.00012%); highest among the groups gnomAD compares: South Asian, 0.0011%; no homozygotes.

Submission:

PreventionGenetics, part of Exact Sciences
Classification: Uncertain significance for SON-related condition. Last evaluated: 2022-12-08. Review status: criteria provided, single submitter. Criteria: ACMG Guidelines, 2015. Collection method: clinical testing. Allele origin: germline.
Comment: The SON c.4393G>A variant is predicted to result in the amino acid substitution p.Val1465Met. To our knowledge, this variant has not been reported in the literature or in a large population database, indicating this variant is rare. At this time, the clinical significance of this variant is uncertain due to the absence of conclusive functional and genetic evidence.

NM_138927.4(SON):c.4393G>A (p.Val1465Met)

Gene: SON (SON DNA and RNA binding protein; plus strand). Cytogenetic location: 21q22.11.
Variant type: single nucleotide variant.
Coding change: c.4393G>A on transcript NM_138927.4 (MANE Select); coding-DNA position 4393, G replaced by A.
Protein change: p.Val1465Met; replaces valine 1465 with methionine.
Molecular consequence: missense variant. On other transcripts: non-coding transcript variant (1), intron variant (1).
Genome position (GRCh38, 1-based): chr21:33,553,624, G>A. VCF-style: chr21-33553624-G-A. GRCh37 (hg19) VCF-style: chr21-34925930-G-A.
Other names: c.4393G>A, p.Val1465Met (NM_001291411.2, NM_001412133.1, NM_032195.3 and 2 more transcripts); c.245-3532G>A (NM_001291412.3); short protein forms V1465M.
Identifiers: ClinVar variation 2629966 (VCV002629966.1), dbSNP rs2517380800, ClinGen allele CA410162526.
Genomic context (GRCh38, chr21:33,553,624, plus strand): 5'-GTGACAGTTTCAGAGCCTGCTGTCACAGTCTCAGAGCAGACTCAAGTAATACCAACTGAG[G>A]TGGCTATAGAGTCCACACCAATGATACTGGAATCTAGTATCATGTCATCACATGTTATGA-3'
Protein context (NP_620305.3, residues 1455-1475): SEQTQVIPTE[Val1465Met]AIESTPMILE